The following is an entry in ClinVar:

NM_001329943.3(KIAA0586):c.1090T>G (p.Leu364Val)

Gene: KIAA0586 (KIAA0586; plus strand). Cytogenetic location: 14q23.1.
Variant type: single nucleotide variant.
Coding change: c.1090T>G on transcript NM_001329943.3 (MANE Select); coding-DNA position 1090, T replaced by G.
Protein change: p.Leu364Val; replaces leucine 364 with valine.
Molecular consequence: missense variant.
Genome position (GRCh38, 1-based): chr14:58,450,707, T>G. VCF-style: chr14-58450707-T-G. GRCh37 (hg19) VCF-style: chr14-58917425-T-G.
Other names: c.835T>G, p.Leu279Val (NM_001244191.2, NM_001329945.2, NM_001364700.1 and 1 more transcripts); c.958T>G, p.Leu320Val (NM_001244192.2); c.670T>G, p.Leu224Val (NM_001244193.2); c.1090T>G, p.Leu364Val (NM_001329944.2, NM_001329946.2, NM_001329947.2 and 1 more transcripts); c.1249T>G, p.Leu417Val (NM_001244189.2); c.1045T>G, p.Leu349Val (NM_001244190.2); c.1249T>G (NM_001244189.1); short protein forms L224V, L279V, L320V, L349V, L364V, L417V.
Identifiers: ClinVar variation 3749967 (VCV003749967.3).

ClinVar aggregate classification (germline): Uncertain significance. Review status: criteria provided, multiple submitters, no conflicts (2 of 4 stars). 2 submissions from 2 submitters: Uncertain significance (2). Last evaluated 2025-02-06.

Conditions:
Short-rib thoracic dysplasia 14 with polydactyly (SRTD14). Identifiers: Orphanet 397715, MedGen C4225286, MONDO:0014688, OMIM 616546.
Joubert syndrome 23 (JBTS23). Identifiers: Orphanet 475, MedGen C4084822, MONDO:0014664, OMIM 616490.

gnomAD v4.1: 7 of 1,608,806 alleles (0.00044%); highest among the groups gnomAD compares: Non-Finnish European, 0.0006%; no homozygotes.

Submissions (2):

GeneDx
Classification: Uncertain significance. Last evaluated: 2025-02-06. Review status: criteria provided, single submitter. Criteria: GeneDx Variant Classification Process June 2021. Collection method: clinical testing. Allele origin: germline. Affected: yes.
Comment: Not observed at significant frequency in large population cohorts (gnomAD); In silico analysis indicates that this missense variant does not alter protein structure/function; Has not been previously published as pathogenic or benign to our knowledge

Labcorp Genetics (formerly Invitae), Labcorp
Classification: Uncertain significance for Joubert syndrome 23; Short-rib thoracic dysplasia 14 with polydactyly. Last evaluated: 2024-07-08. Review status: criteria provided, single submitter. Criteria: Invitae Variant Classification Sherloc (09022015). Collection method: clinical testing. Allele origin: germline.
Comment: This sequence change replaces leucine, which is neutral and non-polar, with valine, which is neutral and non-polar, at codon 417 of the KIAA0586 protein (p.Leu417Val). This variant is present in population databases (no rsID available, gnomAD 0.0009%). This variant has not been reported in the literature in individuals affected with KIAA0586-related conditions. Advanced modeling of protein sequence and biophysical properties (such as structural, functional, and spatial information, amino acid conservation, physicochemical variation, residue mobility, and thermodynamic stability) performed at Invitae indicates that this missense variant is not expected to disrupt KIAA0586 protein function with a negative predictive value of 80%. In summary, the available evidence is currently insufficient to determine the role of this variant in disease. Therefore, it has been classified as a Variant of Uncertain Significance.